The following is an entry in ClinVar:

ClinVar aggregate classification (germline): Likely pathogenic (1 of 4 stars; one submission).

Submission:

Labcorp Genetics (formerly Invitae), Labcorp
Classification: Likely pathogenic. Last evaluated: 2022-05-13. Review status: criteria provided, single submitter. Criteria: Invitae Variant Classification Sherloc (09022015). Collection method: clinical testing. Allele origin: germline.
Comment: This variant results in the deletion of part of exon 31 (c.4218_4221+1499del) of the MYO5B gene. It is expected to disrupt RNA splicing. Variants that disrupt the donor or acceptor splice site typically lead to a loss of protein function (PMID: 16199547), and loss-of-function variants in MYO5B are known to be pathogenic (PMID: 18724368, 20186687). This variant has not been reported in the literature in individuals affected with MYO5B-related conditions. In summary, the currently available evidence indicates that the variant is pathogenic, but additional data are needed to prove that conclusively. Therefore, this variant has been classified as Likely Pathogenic.

Literature cited by the submitters: PubMed 16199547; PubMed 18724368; PubMed 20186687.

NC_000018.9:g.(?_47378320)_(47379822_?)del

Gene: MYO5B (myosin VB; minus strand). Cytogenetic location: 18q21.1.
Variant type: Deletion.
Identifiers: ClinVar variation 2423655 (VCV002423655.4).